The following is an entry in ClinVar:

NM_000540.3(RYR1):c.8542-72C>T

Genes: RYR1 (ryanodine receptor 1; plus strand), LOC126862902 (BRD4-independent group 4 enhancer GRCh37_chr19:38995830-38997029; plus strand). Cytogenetic location: 19q13.2.
Variant type: single nucleotide variant.
Coding change: c.8542-72C>T on transcript NM_000540.3 (MANE Select); 72 bases into the intron before coding-DNA position 8542, C replaced by T.
Molecular consequence: intron variant.
Genome position (GRCh38, 1-based): chr19:38,506,231, C>T. VCF-style: chr19-38506231-C-T. GRCh37 (hg19) VCF-style: chr19-38996871-C-T.
Other names: c.8542-72C>T (NM_001042723.2).
Identifiers: ClinVar variation 677688 (VCV000677688.2), dbSNP rs73030989, ClinGen allele CA308118044.

ClinVar aggregate classification (germline): Likely benign. Review status: criteria provided, multiple submitters, no conflicts (2 of 4 stars). 2 submissions from 2 submitters: Likely benign (2). Last evaluated 2018-06-19.

Allele frequency attached by ClinVar (database versions not stated): 1000 Genomes Project 30x 0.00578; 1000 Genomes Project 0.00599; gnomAD 0.01255 and 0.01317; TOPMed 0.01422.
gnomAD v4.1: 25,979 of 1,496,356 alleles (1.7%); highest among the groups gnomAD compares: Non-Finnish European, 2.1%; 316 homozygotes.

Submissions (2):

GeneDx
Classification: Likely benign. Last evaluated: 2018-06-19. Review status: criteria provided, single submitter. Criteria: GeneDx Variant Classification (06012015). Collection method: clinical testing. Allele origin: germline. Affected: yes.
Comment: This variant is considered likely benign or benign based on one or more of the following criteria: it is a conservative change, it occurs at a poorly conserved position in the protein, it is predicted to be benign by multiple in silico algorithms, and/or has population frequency not consistent with disease.

Breakthrough Genomics
Classification: Likely benign. Review status: criteria provided, single submitter. Criteria: ACMG Guidelines, 2015. Collection method: not provided. Allele origin: germline. Inheritance: Autosomal recessive inheritance. Affected: yes.